The following is an entry in ClinVar:

NM_025114.4(CEP290):c.4529del (p.Pro1510fs)

Gene: CEP290 (centrosomal protein 290; minus strand). Cytogenetic location: 12q21.32.
Variant type: Deletion.
Coding change: c.4529del on transcript NM_025114.4 (MANE Select); coding-DNA position 4529, one base deleted (C; older notation c.4529delC).
Protein change: p.Pro1510fs; shifts the reading frame from proline 1510.
Molecular consequence: frameshift variant.
Genome position (GRCh38, 1-based): chr12:88,084,761, G deleted on the plus strand (C on the coding strand, the reverse complement: CEP290 is on the minus strand); the first of 2 consecutive G bases (chr12:88,084,761-88,084,762); deleting either gives the same sequence. VCF-style (leftmost placement, unchanged base first): chr12-88084760-AG-A. GRCh37 (hg19) VCF-style: chr12-88478537-AG-A.
Other names: short protein forms P1510fs.
Identifiers: ClinVar variation 5015683 (VCV005015683.1).

ClinVar aggregate classification (germline): Pathogenic (1 of 4 stars; one submission).

Conditions:
CEP290-related ciliopathy. Also called: CEP290 ciliopathy. Identifiers: MedGen CN305601, MONDO:0100451.

Submission:

Myriad Genetics, Inc.
Classification: Pathogenic for CEP290-related ciliopathy. Last evaluated: 2026-03-15. Review status: criteria provided, single submitter. Criteria: Myriad Autosomal Dominant, Autosomal Recessive and X-Linked Classification Criteria (2023). Collection method: clinical testing. Allele origin: unknown.
Comment: NM_025114.3(CEP290):c.4529delC(P1510Lfs*10) is expected to be pathogenic in the context of CEP290-related disorders. This variant is predicted to lead to an abnormal or absent protein product due to the creation of a premature termination codon in CEP290, a gene where loss-of-function variants are known to be pathogenic. Please note: this variant was assessed in the context of healthy population screening.